The following is an entry in ClinVar:

NM_001142800.2(EYS):c.1397A>T (p.His466Leu)

Gene: EYS (EGF-like photoreceptor maintenance factor; minus strand). Cytogenetic location: 6q12.
Variant type: single nucleotide variant.
Coding change: c.1397A>T on transcript NM_001142800.2 (MANE Select); coding-DNA position 1397, A replaced by T.
Protein change: p.His466Leu; replaces histidine 466 with leucine.
Molecular consequence: missense variant.
Genome position (GRCh38, 1-based): chr6:65,353,520, T>A on the plus strand (A>T on the coding strand, the complement: EYS is on the minus strand). VCF-style: chr6-65353520-T-A. GRCh37 (hg19) VCF-style: chr6-66063413-T-A.
Other names: c.1397A>T, p.His466Leu (NM_001142801.2, NM_001292009.2, NM_198283.2); short protein forms H466L.
Identifiers: ClinVar variation 1981448 (VCV001981448.4), dbSNP rs773496819, ClinGen allele CA364661738.

ClinVar aggregate classification (germline): Uncertain significance (1 of 4 stars; one submission).

gnomAD v4.1: 3 of 1,613,254 alleles (0.00019%); highest among the groups gnomAD compares: Admixed American, 0.0033%; no homozygotes.

Submission:

Labcorp Genetics (formerly Invitae), Labcorp
Classification: Uncertain significance. Last evaluated: 2022-05-03. Review status: criteria provided, single submitter. Criteria: Invitae Variant Classification Sherloc (09022015). Collection method: clinical testing. Allele origin: germline.
Comment: In summary, the available evidence is currently insufficient to determine the role of this variant in disease. Therefore, it has been classified as a Variant of Uncertain Significance. This variant has not been reported in the literature in individuals affected with EYS-related conditions. Algorithms developed to predict the effect of missense changes on protein structure and function are either unavailable or do not agree on the potential impact of this missense change (SIFT: "Tolerated"; PolyPhen-2: "Possibly Damaging"; Align-GVGD: "Class C0"). This sequence change replaces histidine, which is basic and polar, with leucine, which is neutral and non-polar, at codon 466 of the EYS protein (p.His466Leu). This variant is present in population databases (no rsID available, gnomAD 0.003%).